The following is an entry in ClinVar:

NM_001374828.1(ARID1B):c.1627dup (p.Ala543fs)

Gene: ARID1B (AT-rich interaction domain 1B; plus strand). Cytogenetic location: 6q25.3.
Variant type: Duplication.
Coding change: c.1627dup on transcript NM_001374828.1 (MANE Select); coding-DNA position 1627, one base duplicated (G; older notation c.1627dupG).
Protein change: p.Ala543fs; shifts the reading frame from alanine 543.
Molecular consequence: frameshift variant.
Genome position (GRCh38, 1-based): chr6:156,779,307, G duplicated; the last of 2 consecutive G bases (chr6:156,779,306-156,779,307); duplicating either gives the same sequence. VCF-style (leftmost placement, unchanged base first): chr6-156779305-C-CG. GRCh37 (hg19) VCF-style: chr6-157100439-C-CG.
Other names: c.1627dup, p.Ala543fs (NM_001371656.1, NM_001374820.1, NM_001438482.1 and 9 more transcripts); short protein forms A543fs.
Identifiers: ClinVar variation 4891277 (VCV004891277.1).

ClinVar aggregate classification (germline): Pathogenic (1 of 4 stars; one submission).

Conditions:
Coffin-Siris syndrome 1 (CSS1). Also called: ARID1B-Related Coffin-Siris Syndrome; Mental retardation, autosomal dominant 12. Identifiers: Orphanet 1465, MedGen C3281201, MONDO:0007617, OMIM 135900. Disease mechanism: gain of function.

Submission:

Clinical Genetics Laboratory, University Hospital Schleswig-Holstein
Classification: Pathogenic for Coffin-Siris syndrome 1. Last evaluated: 2025-11-13. Review status: criteria provided, single submitter. Criteria: ACMG Guidelines, 2015. Collection method: clinical testing. Allele origin: germline. Affected: yes. Observed: 1 heterozygote.
Comment: ACMG criteria applied: PM2, PVS1